The following is an entry in ClinVar:

ClinVar aggregate classification (germline): Uncertain significance (1 of 4 stars; one submission).

gnomAD v4.1: 6 of 1,613,984 alleles (0.00037%); highest among the groups gnomAD compares: Non-Finnish European, 0.00051%; no homozygotes.

Submission:

Labcorp Genetics (formerly Invitae), Labcorp
Classification: Uncertain significance. Last evaluated: 2024-10-30. Review status: criteria provided, single submitter. Criteria: Invitae Variant Classification Sherloc (09022015). Collection method: clinical testing. Allele origin: germline.
Comment: This sequence change replaces serine, which is neutral and polar, with asparagine, which is neutral and polar, at codon 331 of the TGFB1 protein (p.Ser331Asn). This variant is present in population databases (rs199713772, gnomAD 0.002%). This variant has not been reported in the literature in individuals affected with TGFB1-related conditions. Invitae Evidence Modeling of protein sequence and biophysical properties (such as structural, functional, and spatial information, amino acid conservation, physicochemical variation, residue mobility, and thermodynamic stability) indicates that this missense variant is not expected to disrupt TGFB1 protein function with a negative predictive value of 80%. In summary, the available evidence is currently insufficient to determine the role of this variant in disease. Therefore, it has been classified as a Variant of Uncertain Significance.

NM_000660.7(TGFB1):c.992G>A (p.Ser331Asn)

Gene: TGFB1 (transforming growth factor beta 1; minus strand). Cytogenetic location: 19q13.2.
Variant type: single nucleotide variant.
Coding change: c.992G>A on transcript NM_000660.7 (MANE Select); coding-DNA position 992, G replaced by A.
Protein change: p.Ser331Asn; replaces serine 331 with asparagine.
Molecular consequence: missense variant.
Genome position (GRCh38, 1-based): chr19:41,332,150, C>T on the plus strand (G>A on the coding strand, the complement: TGFB1 is on the minus strand). VCF-style: chr19-41332150-C-T. GRCh37 (hg19) VCF-style: chr19-41838055-C-T.
Other names: short protein forms S331N.
Identifiers: ClinVar variation 3681755 (VCV003681755.2).